The following is an entry in ClinVar:

NM_001369.3(DNAH5):c.5367del (p.Asn1790fs)

Gene: DNAH5 (dynein axonemal heavy chain 5; minus strand). Cytogenetic location: 5p15.2.
Variant type: Deletion.
Coding change: c.5367del on transcript NM_001369.3 (MANE Select); coding-DNA position 5367, one base deleted (T; older notation c.5367delT).
Protein change: p.Asn1790fs; shifts the reading frame from asparagine 1790.
Molecular consequence: frameshift variant.
Genome position (GRCh38, 1-based): chr5:13,841,809, A deleted on the plus strand (T on the coding strand, the reverse complement: DNAH5 is on the minus strand); the first of 2 consecutive A bases (chr5:13,841,809-13,841,810); deleting either gives the same sequence. VCF-style (leftmost placement, unchanged base first): chr5-13841808-TA-T. GRCh37 (hg19) VCF-style: chr5-13841917-TA-T.
Other names: short protein forms N1790fs.
Identifiers: ClinVar variation 4066809 (VCV004066809.3).

ClinVar aggregate classification (germline): Pathogenic. Review status: criteria provided, multiple submitters, no conflicts (2 of 4 stars). 2 submissions from 2 submitters: Pathogenic (2). Last evaluated 2025-09-15.

Conditions:
Primary ciliary dyskinesia. Also called: Ciliary dyskinesia. Identifiers: Orphanet 244, MedGen C0008780, MONDO:0016575, HP:0012265.
Primary ciliary dyskinesia 3. Identifiers: Orphanet 244, MedGen C1837618, MONDO:0012085, OMIM 608644.

Submissions (2):

Natera, Inc.
Classification: Pathogenic for Primary ciliary dyskinesia. Last evaluated: 2025-09-15. Review status: criteria provided, single submitter. Criteria: Natera Variant Classification Schema (03/2026). Collection method: clinical testing. Allele origin: germline.
Comment: The c.5367del variant in DNAH5 is a frameshift variant predicted to shift the reading frame beginning at codon 1790 and leads to a stop codon 14 codons downstream. This variant is expected to result in nonsense mediated decay, truncation, or a dysfunctional protein product. This variant is rare in the general population with a frequency below the threshold expected for the associated phenotype(s). This variant has been observed in one or more individuals affected with the associated recessive disease, as either homozygous or compound heterozygous with a second variant (PMID: 28939216). Additionally, this variant has been observed to segregate in affected family members (PMID: 28939216). Given the available evidence, this variant is classified as Pathogenic.

Myriad Genetics, Inc.
Classification: Pathogenic for Primary ciliary dyskinesia 3. Last evaluated: 2024-05-14. Review status: criteria provided, single submitter. Criteria: Myriad Autosomal Dominant, Autosomal Recessive and X-Linked Classification Criteria (2023). Collection method: clinical testing. Allele origin: unknown.
Comment: NM_001369.2(DNAH5):c.5367delT(N1790Ifs*14) is expected to be pathogenic in the context of primary ciliary dyskinesia, DNAH5-related. This variant is predicted to lead to an abnormal or absent protein product due to the creation of a premature termination codon in DNAH5, a gene where loss-of-function variants are known to be pathogenic. Please note: this variant was assessed in the context of healthy population screening.

Literature cited by the submitters: PubMed 28939216 (cited by Natera, Inc.).